The following is an entry in ClinVar:

NM_002294.3(LAMP2):c.43G>C (p.Val15Leu)

Gene: LAMP2 (lysosomal associated membrane protein 2; minus strand). Cytogenetic location: Xq24.
Variant type: single nucleotide variant.
Coding change: c.43G>C on transcript NM_002294.3 (MANE Select); coding-DNA position 43, G replaced by C.
Protein change: p.Val15Leu; replaces valine 15 with leucine.
Molecular consequence: missense variant.
Genome position (GRCh38, 1-based): chrX:120,469,127, C>G on the plus strand (G>C on the coding strand, the complement: LAMP2 is on the minus strand). VCF-style: chrX-120469127-C-G. GRCh37 (hg19) VCF-style: chrX-119602982-C-G.
Other names: c.43G>C, p.Val15Leu (NM_001122606.1, NM_013995.2); short protein forms V15L.
Identifiers: ClinVar variation 3345095 (VCV003345095.1).

ClinVar aggregate classification (germline): Uncertain significance (0 of 4 stars; one submission).

Conditions:
LAMP2-related disorder. Also called: LAMP2-related condition.

Submission:

PreventionGenetics, part of Exact Sciences
Classification: Uncertain significance for LAMP2-related condition. Last evaluated: 2024-07-17. Review status: no assertion criteria provided. Collection method: clinical testing. Allele origin: germline.
Comment: The LAMP2 c.43G>C variant is predicted to result in the amino acid substitution p.Val15Leu. To our knowledge, this variant has not been reported in the literature or in a large population database, indicating this variant is rare. At this time, the clinical significance of this variant is uncertain due to the absence of conclusive functional and genetic evidence.